The following is an entry in ClinVar:

ClinVar aggregate classification (germline): Benign. Review status: criteria provided, multiple submitters, no conflicts (2 of 4 stars). 3 submissions from 3 submitters: Benign (3). Last evaluated 2018-11-10.

Conditions:
Autosomal recessive congenital ichthyosis 5 (ARCI5). Also called: Ichthyosis, nonlamellar and nonerythrodermic, congenital, autosomal recessive; ICHTHYOSIS CONGENITA III. Identifiers: Orphanet 313, MedGen C1858133, MONDO:0011485, OMIM 604777.

Allele frequency attached by ClinVar (database versions not stated): TOPMed 0.48312; gnomAD 0.49259 and 0.49516; 1000 Genomes Project 30x 0.51187; 1000 Genomes Project 0.51218; gnomAD exomes 0.51381.
gnomAD v4.1: 291,682 of 573,372 alleles (51%); highest among the groups gnomAD compares: South Asian, 59%; 74,653 homozygotes.

Submissions (3):

GeneDx
Classification: Benign. Last evaluated: 2018-11-10. Review status: criteria provided, single submitter. Criteria: GeneDx Variant Classification Process June 2021. Collection method: clinical testing. Allele origin: germline. Affected: yes.

Illumina Laboratory Services, Illumina
Classification: Benign for Autosomal recessive congenital ichthyosis 5. Last evaluated: 2018-01-13. Review status: criteria provided, single submitter. Criteria: ICSL Variant Classification Criteria 13 December 2019. Collection method: clinical testing. Allele origin: germline.
Comment: This variant was observed in the ICSL laboratory as part of a predisposition screen in an ostensibly healthy population. It had not been previously curated by ICSL or reported in the Human Gene Mutation Database (HGMD: prior to June 1st, 2018), and was therefore a candidate for classification through an automated scoring system. Utilizing variant allele frequency, disease prevalence and penetrance estimates, and inheritance mode, an automated score was calculated to assess if this variant is too frequent to cause the disease. Based on the score and internal cut-off values, a variant classified as benign is not then subjected to further curation. The score for this variant resulted in a classification of benign for this disease.

Breakthrough Genomics
Classification: Benign. Review status: criteria provided, single submitter. Criteria: ACMG Guidelines, 2015. Collection method: not provided. Allele origin: germline. Inheritance: Autosomal recessive inheritance. Affected: yes.

NM_173483.4(CYP4F22):c.*262C>A

Gene: CYP4F22 (cytochrome P450 family 4 subfamily F member 22; plus strand). Cytogenetic location: 19p13.12.
Variant type: single nucleotide variant.
Coding change: c.*262C>A on transcript NM_173483.4 (MANE Select); 262 bases downstream of the stop codon, C replaced by A.
Molecular consequence: 3 prime UTR variant.
Genome position (GRCh38, 1-based): chr19:15,551,733, C>A. VCF-style: chr19-15551733-C-A. GRCh37 (hg19) VCF-style: chr19-15662544-C-A.
Identifiers: ClinVar variation 328454 (VCV000328454.9), dbSNP rs2280435, ClinGen allele CA10651593.